The following is an entry in ClinVar:

ClinVar aggregate classification (germline): Uncertain significance (1 of 4 stars; one submission).

Submission:

Ambry Genetics
Classification: Uncertain significance. Last evaluated: 2022-03-11. Review status: criteria provided, single submitter. Criteria: Ambry Variant Classification Scheme 2023. Collection method: clinical testing. Allele origin: germline.
Comment: The p.P644S variant (also known as c.1930C>T), located in coding exon 18 of the PRKDC gene, results from a C to T substitution at nucleotide position 1930. The proline at codon 644 is replaced by serine, an amino acid with similar properties. This amino acid position is conserved. In addition, this alteration is predicted to be tolerated by in silico analysis. Since supporting evidence is limited at this time, the clinical significance of this alteration remains unclear.

NM_006904.7(PRKDC):c.1930C>T (p.Pro644Ser)

Gene: PRKDC (protein kinase, DNA-activated, catalytic subunit; minus strand). Cytogenetic location: 8q11.21.
Variant type: single nucleotide variant.
Coding change: c.1930C>T on transcript NM_006904.7 (MANE Select); coding-DNA position 1930, C replaced by T.
Protein change: p.Pro644Ser; replaces proline 644 with serine.
Molecular consequence: missense variant.
Genome position (GRCh38, 1-based): chr8:47,929,975, G>A on the plus strand (C>T on the coding strand, the complement: PRKDC is on the minus strand). VCF-style: chr8-47929975-G-A. GRCh37 (hg19) VCF-style: chr8-48842535-G-A.
Other names: c.1930C>T, p.Pro644Ser (NM_001081640.2); short protein forms P644S.
Identifiers: ClinVar variation 1782880 (VCV001782880.2), dbSNP rs775478125, ClinGen allele CA371164337.